The following is an entry in ClinVar:

NM_000077.5(CDKN2A):c.86G>C (p.Arg29Pro)

Gene: CDKN2A (cyclin dependent kinase inhibitor 2A; minus strand). Cytogenetic location: 9p21.3.
Variant type: single nucleotide variant.
Coding change: c.86G>C on transcript NM_000077.5; coding-DNA position 86, G replaced by C.
Protein change: p.Arg29Pro; replaces arginine 29 with proline.
Molecular consequence: missense variant (on NM_000077.6). On other transcripts: intron variant (2).
Genome position (GRCh38, 1-based): chr9:21,974,742, C>G on the plus strand (G>C on the coding strand, the complement: CDKN2A is on the minus strand). VCF-style: chr9-21974742-C-G. GRCh37 (hg19) VCF-style: chr9-21974741-C-G.
Other names: c.86G>C, p.Arg29Pro (NM_000077.6, NM_001195132.2, NM_058197.5); c.-3-3534G>C (NM_001363763.2); c.194-3534G>C (NM_058195.4); short protein forms R29P.
Identifiers: ClinVar variation 1041690 (VCV001041690.8), dbSNP rs1819952993, ClinGen allele CA373086587.
Genomic context (GRCh38, chr9:21,974,742, plus strand): 5'-ATCGGCCTCCGACCGTAACTATTCGGTGCGTTGGGCAGCGCCCCCGCCTCCAGCAGCGCC[C>G]GCACCTCCTCTACCCGACCCCGGGCCGCGGCCGTGGCCAGCCAGTCAGCCGAAGGCTCCA-3'
Protein context (NP_000068.1, residues 19-39): AAARGRVEEV[Arg29Pro]ALLEAGALPN

ClinVar aggregate classification (germline): Uncertain significance (1 of 4 stars; one submission).

Conditions:
Familial melanoma. Also called: Hereditary melanoma; Hereditary cutaneous melanoma. Identifiers: Orphanet 618, MedGen C1512419, MONDO:0018961.

Allele frequency attached by ClinVar (database versions not stated): gnomAD exomes below 0.00001.

Submission:

Labcorp Genetics (formerly Invitae), Labcorp
Classification: Uncertain significance for Familial melanoma. Last evaluated: 2023-11-02. Review status: criteria provided, single submitter. Criteria: Invitae Variant Classification Sherloc (09022015). Collection method: clinical testing. Allele origin: germline.
Comment: This sequence change replaces arginine, which is basic and polar, with proline, which is neutral and non-polar, at codon 29 of the CDKN2A (p16INK4a) protein (p.Arg29Pro). This variant is not present in population databases (gnomAD no frequency). This variant has not been reported in the literature in individuals affected with CDKN2A (p16INK4a)-related conditions. ClinVar contains an entry for this variant (Variation ID: 1041690). An algorithm developed to predict the effect of missense changes on protein structure and function (PolyPhen-2) suggests that this variant is likely to be disruptive. In summary, the available evidence is currently insufficient to determine the role of this variant in disease. Therefore, it has been classified as a Variant of Uncertain Significance.